The following is an entry in ClinVar:

ClinVar aggregate classification (germline): Uncertain significance. Review status: criteria provided, multiple submitters, no conflicts (2 of 4 stars). 5 submissions from 5 submitters: Uncertain significance (5). Last evaluated 2026-05-05.

Conditions:
Osteogenesis imperfecta type I (OI1). Also called: Lobstein's Disease; OI, TYPE I; OSTEOGENESIS IMPERFECTA TARDA; OSTEOGENESIS IMPERFECTA WITH BLUE SCLERAE; Osteogenesis imperfecta type 1; Lobstein disease. Identifiers: Orphanet 216796, Orphanet 666, MedGen C0023931, MONDO:0008146, OMIM 166200. Disease mechanism: loss of function.
Ehlers-Danlos syndrome, classic type, 1 (EDSCL1). Also called: Ehlers-Danlos syndrome, type 1; EHLERS-DANLOS SYNDROME, GRAVIS TYPE; EHLERS-DANLOS SYNDROME, SEVERE CLASSIC TYPE; EDS I; Ehlers-Danlos Syndrome, Classic Type, COL5A1-Related. Identifiers: MedGen C0268335, MONDO:0019567, OMIM 130000.
Cardiovascular phenotype. Identifiers: MedGen CN230736.

Allele frequency attached by ClinVar (database versions not stated): gnomAD 0.00007 and 0.00003; gnomAD exomes 0.00013 and 0.00003; TOPMed 0.00002; 1000 Genomes Project 30x 0.00031; 1000 Genomes Project 0.00040; ExAC 0.00007.
gnomAD v4.1: 195 of 1,614,250 alleles (0.012%); highest among the groups gnomAD compares: East Asian, 0.43%; 3 homozygotes.

Submissions (5):

Women's Health and Genetics/Laboratory Corporation of America, LabCorp
Classification: Uncertain significance. Last evaluated: 2026-05-05. Review status: criteria provided, single submitter. Criteria: LabCorp Variant Classification Summary - May 2015. Collection method: clinical testing. Allele origin: germline.
Comment: Variant summary: COL1A2 c.1536T>G (p.His512Gln) results in a non-conservative amino acid change in the encoded protein sequence. Algorithms developed to predict the effect of missense changes on protein structure and function are either unavailable or do not agree on the potential impact of this missense change. The variant allele was found at a frequency of 3.2e-05 in 251492 control chromosomes. The available data on variant occurrences in the general population are insufficient to allow any conclusion about variant significance. To our knowledge, no occurrence of c.1536T>G in individuals affected with COL1A2-related conditions and no experimental evidence demonstrating its impact on protein function have been reported. ClinVar contains an entry for this variant (Variation ID: 939031). Based on the evidence outlined above, the variant was classified as uncertain significance.

Labcorp Genetics (formerly Invitae), Labcorp
Classification: Uncertain significance for Osteogenesis imperfecta type I; Ehlers-Danlos syndrome, classic type, 1. Last evaluated: 2024-11-03. Review status: criteria provided, single submitter. Criteria: Invitae Variant Classification Sherloc (09022015). Collection method: clinical testing. Allele origin: germline.
Comment: This sequence change replaces histidine, which is basic and polar, with glutamine, which is neutral and polar, at codon 512 of the COL1A2 protein (p.His512Gln). This variant is present in population databases (rs200231086, gnomAD 0.04%). This variant has not been reported in the literature in individuals affected with COL1A2-related conditions. ClinVar contains an entry for this variant (Variation ID: 939031). Invitae Evidence Modeling of protein sequence and biophysical properties (such as structural, functional, and spatial information, amino acid conservation, physicochemical variation, residue mobility, and thermodynamic stability) indicates that this missense variant is not expected to disrupt COL1A2 protein function with a negative predictive value of 95%. In summary, the available evidence is currently insufficient to determine the role of this variant in disease. Therefore, it has been classified as a Variant of Uncertain Significance.

GeneDx
Classification: Uncertain significance. Last evaluated: 2023-02-28. Review status: criteria provided, single submitter. Criteria: GeneDx Variant Classification Process June 2021. Collection method: clinical testing. Allele origin: germline. Affected: yes.
Comment: Has not been previously published as pathogenic or benign to our knowledge; Occurs in the triple helical domain at the X position in the canonical Gly-X-Y repeat; although this variant may have an effect on normal protein folding and function, missense substitution at the X position is not a common mechanism of disease (HGMD); In silico analysis supports that this missense variant does not alter protein structure/function

Revvity Omics, Revvity
Classification: Uncertain significance. Last evaluated: 2022-08-04. Review status: criteria provided, single submitter. Criteria: ACMG Guidelines, 2015. Collection method: clinical testing. Allele origin: germline.

Ambry Genetics
Classification: Uncertain significance for Cardiovascular phenotype. Last evaluated: 2020-10-05. Review status: criteria provided, single submitter. Criteria: Ambry Variant Classification Scheme 2023. Collection method: clinical testing. Allele origin: germline.
Comment: The p.H512Q variant (also known as c.1536T>G), located in coding exon 26 of the COL1A2 gene, results from a T to G substitution at nucleotide position 1536. The histidine at codon 512 is replaced by glutamine, an amino acid with highly similar properties. This amino acid position is not well conserved in available vertebrate species. In addition, this alteration is predicted to be tolerated by in silico analysis. Since supporting evidence is limited at this time, the clinical significance of this alteration remains unclear.

NM_000089.4(COL1A2):c.1536T>G (p.His512Gln)

Gene: COL1A2 (collagen type I alpha 2 chain; plus strand). Cytogenetic location: 7q21.3.
Variant type: single nucleotide variant.
Coding change: c.1536T>G on transcript NM_000089.4 (MANE Select); coding-DNA position 1536, T replaced by G.
Protein change: p.His512Gln; replaces histidine 512 with glutamine.
Molecular consequence: missense variant.
Genome position (GRCh38, 1-based): chr7:94,413,115, T>G. VCF-style: chr7-94413115-T-G. GRCh37 (hg19) VCF-style: chr7-94042427-T-G.
Other names: short protein forms H512Q.
Identifiers: ClinVar variation 939031 (VCV000939031.18), dbSNP rs200231086, ClinGen allele CA4347095.
Genomic context (GRCh38, chr7:94,413,115, plus strand): 5'-TTTGTTTTGTTTTTCATTTTTACTCTAGGGTGATCCTGGCAAAAACGGTGATAAAGGTCA[T>G]GCTGGTCTTGCTGGTGCTCGGGTAGGTGCTAACTTGTGTACAGATCTATTCACATAGCAT-3'
Protein context (NP_000080.2, residues 502-522): GDPGKNGDKG[His512Gln]AGLAGARGAP